The following is an entry in ClinVar:

NM_022662.4(ANAPC1):c.4895C>A (p.Ala1632Asp)

Gene: ANAPC1 (anaphase promoting complex subunit 1; minus strand). Cytogenetic location: 2q13.
Variant type: single nucleotide variant.
Coding change: c.4895C>A on transcript NM_022662.4 (MANE Select); coding-DNA position 4895, C replaced by A.
Protein change: p.Ala1632Asp; replaces alanine 1632 with aspartic acid.
Molecular consequence: missense variant.
Genome position (GRCh38, 1-based): chr2:111,785,382, G>T on the plus strand (C>A on the coding strand, the complement: ANAPC1 is on the minus strand). VCF-style: chr2-111785382-G-T. GRCh37 (hg19) VCF-style: chr2-112542959-G-T.
Other names: short protein forms A1632D.
Identifiers: ClinVar variation 4853758 (VCV004853758.1).

ClinVar aggregate classification (germline): Uncertain significance (1 of 4 stars; one submission).

Submission:

Women's Health and Genetics/Laboratory Corporation of America, LabCorp
Classification: Uncertain significance. Last evaluated: 2026-05-20. Review status: criteria provided, single submitter. Criteria: LabCorp Variant Classification Summary - May 2015. Collection method: clinical testing. Allele origin: germline.
Comment: Variant summary: ANAPC1 c.4895C>A (p.Ala1632Asp) results in a non-conservative amino acid change in the encoded protein sequence. Algorithms developed to predict the effect of missense changes on protein structure and function are either unavailable or do not agree on the potential impact of this missense change. The frequency data for this variant in gnomAD is considered unreliable, as metrics indicate poor data quality at this position. To our knowledge, no occurrence of c.4895C>A in individuals affected with ANAPC1-related conditions and no experimental evidence demonstrating its impact on protein function have been reported. No submitters have cited clinical-significance assessments for this variant to ClinVar. Based on the evidence outlined above, the variant was classified as uncertain significance.